The following is an entry in ClinVar:

ClinVar aggregate classification (germline): Uncertain significance (1 of 4 stars; one submission).

Submission:

Labcorp Genetics (formerly Invitae), Labcorp
Classification: Uncertain significance. Last evaluated: 2020-08-04. Review status: criteria provided, single submitter. Criteria: Invitae Variant Classification Sherloc (09022015). Collection method: clinical testing. Allele origin: germline.
Comment: In summary, the available evidence is currently insufficient to determine the role of this variant in disease. Therefore, it has been classified as a Variant of Uncertain Significance. Algorithms developed to predict the effect of missense changes on protein structure and function (SIFT, PolyPhen-2, Align-GVGD) all suggest that this variant is likely to be disruptive, but these predictions have not been confirmed by published functional studies and their clinical significance is uncertain. This variant has not been reported in the literature in individuals with GUCA1B-related conditions. This variant is not present in population databases (ExAC no frequency). This sequence change replaces asparagine with isoleucine at codon 156 of the GUCA1B protein (p.Asn156Ile). The asparagine residue is highly conserved and there is a large physicochemical difference between asparagine and isoleucine.

NM_002098.6(GUCA1B):c.467A>T (p.Asn156Ile)

Gene: GUCA1B (guanylate cyclase activator 1B; minus strand). Cytogenetic location: 6p21.1.
Variant type: single nucleotide variant.
Coding change: c.467A>T on transcript NM_002098.6 (MANE Select); coding-DNA position 467, A replaced by T.
Protein change: p.Asn156Ile; replaces asparagine 156 with isoleucine.
Molecular consequence: missense variant.
Genome position (GRCh38, 1-based): chr6:42,185,688, T>A on the plus strand (A>T on the coding strand, the complement: GUCA1B is on the minus strand). VCF-style: chr6-42185688-T-A. GRCh37 (hg19) VCF-style: chr6-42153426-T-A.
Other names: short protein forms N156I.
Identifiers: ClinVar variation 1011160 (VCV001011160.8), dbSNP rs1768180893, ClinGen allele CA364112325.